The following is an entry in ClinVar:

ClinVar aggregate classification (germline): Uncertain significance (1 of 4 stars; one submission).

Submission:

CeGaT Center for Human Genetics Tuebingen
Classification: Uncertain significance. Last evaluated: 2026-05-01. Review status: criteria provided, single submitter. Criteria: CeGaT Center For Human Genetics Tuebingen Variant Classification Criteria Version 2. Collection method: clinical testing. Allele origin: germline. Affected: yes. Observed: 1 variant allele.
Comment: CNOT1: PM2:Supporting, BP4

NM_016284.5(CNOT1):c.5130C>T (p.Ile1710=)

Gene: CNOT1 (CCR4-NOT transcription complex subunit 1; minus strand). Cytogenetic location: 16q21.
Variant type: single nucleotide variant.
Coding change: c.5130C>T on transcript NM_016284.5 (MANE Select); coding-DNA position 5130, C replaced by T.
Protein change: p.Ile1710=; no amino-acid change (isoleucine 1710 retained).
Molecular consequence: synonymous variant. On other transcripts: non-coding transcript variant (1).
Genome position (GRCh38, 1-based): chr16:58,538,777, G>A on the plus strand (C>T on the coding strand, the complement: CNOT1 is on the minus strand). VCF-style: chr16-58538777-G-A. GRCh37 (hg19) VCF-style: chr16-58572681-G-A.
Other names: c.5115C>T, p.Ile1705= (NM_001265612.2).
Identifiers: ClinVar variation 4874187 (VCV004874187.2).
Genomic context (GRCh38, chr16:58,538,777, plus strand): 5'-TGTCAAAAGGCAGTCGCAGTCCAATACTCACTACTTTTCGAAGATGGCTACTGACCTTGT[G>A]ATCTGTTTGTTGCACCATGGAGACCCATATGCCCGGCCATCCTGCAGAGCTTTTAGGACC-3'
Protein context (NP_057368.3, residues 1700-1720): AYGSPWCNKQ[Ile1710=]TRCLIECRDE